The following is an entry in ClinVar:

ClinVar aggregate classification (germline): Uncertain significance (1 of 4 stars; one submission).

Allele frequency attached by ClinVar (database versions not stated): TOPMed below 0.00001; gnomAD 0.00001.
gnomAD v4.1: 2 of 1,614,040 alleles (0.00012%); highest among the groups gnomAD compares: Non-Finnish European, 0.000085%; no homozygotes.

Submission:

Labcorp Genetics (formerly Invitae), Labcorp
Classification: Uncertain significance. Last evaluated: 2022-08-31. Review status: criteria provided, single submitter. Criteria: Invitae Variant Classification Sherloc (09022015). Collection method: clinical testing. Allele origin: germline.
Comment: In summary, the available evidence is currently insufficient to determine the role of this variant in disease. Therefore, it has been classified as a Variant of Uncertain Significance. Algorithms developed to predict the effect of missense changes on protein structure and function (SIFT, PolyPhen-2, Align-GVGD) all suggest that this variant is likely to be disruptive. This variant has not been reported in the literature in individuals affected with NUP205-related conditions. This variant is not present in population databases (gnomAD no frequency). This sequence change replaces proline, which is neutral and non-polar, with arginine, which is basic and polar, at codon 734 of the NUP205 protein (p.Pro734Arg).

NM_015135.3(NUP205):c.2201C>G (p.Pro734Arg)

Gene: NUP205 (nucleoporin 205; plus strand). Cytogenetic location: 7q33.
Variant type: single nucleotide variant.
Coding change: c.2201C>G on transcript NM_015135.3 (MANE Select); coding-DNA position 2201, C replaced by G.
Protein change: p.Pro734Arg; replaces proline 734 with arginine.
Molecular consequence: missense variant.
Genome position (GRCh38, 1-based): chr7:135,598,134, C>G. VCF-style: chr7-135598134-C-G. GRCh37 (hg19) VCF-style: chr7-135282882-C-G.
Other names: c.1127C>G, p.Pro376Arg (NM_001329434.2); short protein forms P376R, P734R.
Identifiers: ClinVar variation 2174274 (VCV002174274.4), dbSNP rs1257811759, ClinGen allele CA369336663.
Genomic context (GRCh38, chr7:135,598,134, plus strand): 5'-TGGTGGAGAGCTCATTTCCTTCTAATTTGGGTGCTGGACTGCGGCCCCCTGGCTTTGACC[C>G]TTATTTGCAGTTCCTTAGAGACTCTGTGTTTCTACGATTCCGTACAAGAGCTTACCGGAG-3'
Protein context (NP_055950.2, residues 724-744): GAGLRPPGFD[Pro734Arg]YLQFLRDSVF